The following is an entry in ClinVar:

NM_000550.3(TYRP1):c.1566T>C (p.Tyr522=)

Genes: LURAP1L-AS1 (LURAP1L antisense RNA 1; minus strand), TYRP1 (tyrosinase related protein 1; plus strand). Cytogenetic location: 9p23.
Variant type: single nucleotide variant.
Coding change: c.1566T>C on transcript NM_000550.3 (MANE Select); coding-DNA position 1566, T replaced by C.
Protein change: p.Tyr522=; no amino-acid change (tyrosine 522 retained).
Molecular consequence: synonymous variant.
Genome position (GRCh38, 1-based): chr9:12,709,134, T>C. VCF-style: chr9-12709134-T-C. GRCh37 (hg19) VCF-style: chr9-12709134-T-C.
Other names: c.1566T>C (NM_000550.2).
Identifiers: ClinVar variation 2999420 (VCV002999420.6), dbSNP rs760010631, ClinGen allele CA4985627.

ClinVar aggregate classification (germline): Likely benign. Review status: criteria provided, multiple submitters, no conflicts (2 of 4 stars). 3 submissions from 3 submitters: Likely benign (2). 1 of the submissions does not count toward it. Last evaluated 2024-08-29.

Conditions:
TYRP1-related disorder. Also called: TYRP1-related condition.

Allele frequency attached by ClinVar (database versions not stated): ExAC 0.00001; gnomAD exomes 0.00001; TOPMed 0.00002.
gnomAD v4.1: 19 of 1,612,672 alleles (0.0012%); highest among the groups gnomAD compares: Non-Finnish European, 0.0016%; no homozygotes.

Submissions (3):

Blueprint Genetics
Classification: Likely benign. Last evaluated: 2024-08-29. Review status: criteria provided, single submitter. Criteria: ACMG Guidelines, 2015. Collection method: clinical testing. Allele origin: germline.

Labcorp Genetics (formerly Invitae), Labcorp
Classification: Likely benign. Last evaluated: 2023-07-25. Review status: criteria provided, single submitter. Criteria: Invitae Variant Classification Sherloc (09022015). Collection method: clinical testing. Allele origin: germline.

PreventionGenetics, part of Exact Sciences
Classification: Likely benign for TYRP1-related condition. Last evaluated: 2019-03-06. Review status: no assertion criteria provided. Collection method: clinical testing. Allele origin: germline. Not counted in ClinVar's aggregate classification.
Comment: This variant is classified as likely benign based on ACMG/AMP sequence variant interpretation guidelines (Richards et al. 2015 PMID: 25741868, with internal and published modifications).